The following is an entry in ClinVar:

ClinVar aggregate classification (germline): Pathogenic. Review status: criteria provided, multiple submitters, no conflicts (2 of 4 stars). 3 submissions from 3 submitters: Pathogenic (3). Last evaluated 2025-04-14.

Conditions:
Cystic fibrosis (CF). Also called: MUCOVISCIDOSIS. Identifiers: Orphanet 586, MedGen C0010674, MONDO:0009061, OMIM 219700. Disease mechanism: loss of function.
CFTR-related disorder (CFTR-RD). Also called: CFTR-related disorders; CFTR-related condition. Identifiers: MedGen C5924204, MONDO:7770004.

Submissions (3):

Natera, Inc.
Classification: Pathogenic for CFTR-related disorders. Last evaluated: 2025-04-14. Review status: criteria provided, single submitter. Criteria: Natera Variant Classification Schema (03/2026). Collection method: clinical testing. Allele origin: germline.
Comment: The c.3188G>A variant in CFTR is a nonsense variant predicted to introduce a stop codon at amino acid 1063. This variant is expected to result in nonsense mediated decay, truncation, or a dysfunctional protein product. This variant is rare in the general population with a frequency below the threshold expected for the associated phenotype(s). This variant has been observed in one or more individuals affected with the associated recessive disease, as either homozygous or compound heterozygous with a second variant (PMID: 12414835). Given the available evidence, this variant is classified as Pathogenic.

Women's Health and Genetics/Laboratory Corporation of America, LabCorp
Classification: Pathogenic for Cystic fibrosis. Last evaluated: 2024-02-16. Review status: criteria provided, single submitter. Criteria: LabCorp Variant Classification Summary - May 2015. Collection method: clinical testing. Allele origin: germline.
Comment: Variant summary: CFTR c.3188G>A (p.Trp1063X) results in a premature termination codon, predicted to cause absence of the protein due to nonsense mediated decay, which is a commonly known mechanism for disease. The variant was absent in 250914 control chromosomes (gnomAD). c.3188G>A has been reported in the literature in at least one individual affected with Cystic Fibrosis (e.g. Reboul_2002). To our knowledge, no experimental evidence demonstrating an impact on protein function has been reported. The following publication has been ascertained in the context of this evaluation (PMID: 12414835). ClinVar contains an entry for this variant (Variation ID: 618933). Based on the evidence outlined above, the variant was classified as pathogenic.

Mendelics
Classification: Pathogenic for Cystic fibrosis. Last evaluated: 2018-11-05. Review status: criteria provided, single submitter. Criteria: Mendelics Assertion Criteria 2017. Collection method: clinical testing. Allele origin: unknown. Affected: yes.

Literature cited by the submitters: PubMed 12414835 (cited by Natera, Inc. and Women's Health and Genetics/Laboratory Corporation of America, LabCorp).

NM_000492.4(CFTR):c.3188G>A (p.Trp1063Ter)

Genes: CFTR (CF transmembrane conductance regulator; plus strand), CFTR-AS2 (CFTR antisense RNA 2; minus strand), LOC111674472 (DNase I hypersensitive sites in introns 16 and 17a of CFTR; plus strand). Cytogenetic location: 7q31.2.
Variant type: single nucleotide variant.
Coding change: c.3188G>A on transcript NM_000492.4 (MANE Select); coding-DNA position 3188, G replaced by A.
Protein change: p.Trp1063Ter; replaces tryptophan 1063 with a stop codon.
Molecular consequence: nonsense.
Genome position (GRCh38, 1-based): chr7:117,611,629, G>A. VCF-style: chr7-117611629-G-A. GRCh37 (hg19) VCF-style: chr7-117251683-G-A.
Other names: c.3188G>A (NM_000492.3); short protein forms W1063*.
Identifiers: ClinVar variation 618933 (VCV000618933.5), dbSNP rs1562914641, ClinGen allele CA368992007.